The following is an entry in ClinVar:

ClinVar aggregate classification (germline): Uncertain significance. Review status: criteria provided, multiple submitters, no conflicts (2 of 4 stars). 2 submissions from 2 submitters: Uncertain significance (2). Last evaluated 2019-11-12.

Conditions:
Neurodevelopmental disorder with or without anomalies of the brain, eye, or heart (NEDBEH). Identifiers: Orphanet 494344, MedGen C5567477, MONDO:0014857, OMIM 616975.

Allele frequency attached by ClinVar (database versions not stated): TOPMed below 0.00001.
gnomAD v4.1: 9 of 1,613,604 alleles (0.00056%); highest among the groups gnomAD compares: Non-Finnish European, 0.00068%; no homozygotes.

Submissions (2):

GeneDx
Classification: Uncertain significance. Last evaluated: 2019-11-12. Review status: criteria provided, single submitter. Criteria: GeneDx Variant Classification Process June 2021. Collection method: clinical testing. Allele origin: germline. Affected: yes.
Comment: Not observed in large population cohorts (Lek et al., 2016); In silico analysis, which includes protein predictors and evolutionary conservation, supports a deleterious effect; Has not been previously published as pathogenic or benign to our knowledge

Neuberg Centre For Genomic Medicine, NCGM
Classification: Uncertain significance for Neurodevelopmental disorder with or without anomalies of the brain, eye, or heart. Review status: criteria provided, single submitter. Criteria: ACMG Guidelines, 2015. Collection method: clinical testing. Allele origin: germline. Inheritance: Autosomal dominant inheritance. Affected: yes.
Comment: The missense variant in c.1762C>T in RERE gene has not been reported previously as a pathogenic variant nor as a benign variant, to our knowledge. The p.Arg588Trp variant is novel (not in any individuals) in gnomAD Exomes and 1000 Genomes. This variant has not been reported to the ClinVar database. The amino acid change p.Arg588Trp in RERE is predicted as conserved by GERP++ and PhyloP across 100 vertebrates. The amino acid Arg at position 588 is changed to a Trp changing protein sequence and it might alter its composition and physico-chemical properties. For these reasons, this variant has been classified as Uncertain Significance (VUS).

NM_001042681.2(RERE):c.1762C>T (p.Arg588Trp)

Gene: RERE (arginine-glutamic acid dipeptide repeats; minus strand). Cytogenetic location: 1p36.23.
Variant type: single nucleotide variant.
Coding change: c.1762C>T on transcript NM_001042681.2 (MANE Select); coding-DNA position 1762, C replaced by T.
Protein change: p.Arg588Trp; replaces arginine 588 with tryptophan.
Molecular consequence: missense variant.
Genome position (GRCh38, 1-based): chr1:8,362,823, G>A on the plus strand (C>T on the coding strand, the complement: RERE is on the minus strand). VCF-style: chr1-8362823-G-A. GRCh37 (hg19) VCF-style: chr1-8422883-G-A.
Other names: c.100C>T, p.Arg34Trp (NM_001042682.2); c.1762C>T, p.Arg588Trp (NM_012102.4); short protein forms R34W, R588W.
Identifiers: ClinVar variation 1310384 (VCV001310384.2), dbSNP rs1641641189, ClinGen allele CA338174049.